The following is an entry in ClinVar:

ClinVar aggregate classification (germline): Likely benign. Review status: criteria provided, multiple submitters, no conflicts (2 of 4 stars). 3 submissions from 3 submitters: Likely benign (3). Last evaluated 2026-09-22.

Conditions:
ANKRD1-related disorder. Also called: ANKRD1-related condition.
Cardiovascular phenotype. Identifiers: MedGen CN230736.
ANKRD1-related dilated cardiomyopathy. Identifiers: MedGen CN119551.

gnomAD v4.1: 4 of 1,614,006 alleles (0.00025%); highest among the groups gnomAD compares: African/African-American, 0.004%; no homozygotes.

Submissions (3):

PreventionGenetics, part of Exact Sciences
Classification: Likely benign for ANKRD1-related condition. Last evaluated: 2026-09-22. Review status: criteria provided, single submitter. Criteria: ACMG Guidelines, 2015. Collection method: clinical testing. Allele origin: germline.
Comment: This variant is classified as likely benign based on ACMG/AMP sequence variant interpretation guidelines (Richards et al. 2015 PMID: 25741868, with internal and published modifications).

Labcorp Genetics (formerly Invitae), Labcorp
Classification: Likely benign for ANKRD1-related dilated cardiomyopathy. Last evaluated: 2025-05-07. Review status: criteria provided, single submitter. Criteria: Invitae Variant Classification Sherloc (09022015). Collection method: clinical testing. Allele origin: germline.

Ambry Genetics
Classification: Likely benign for Cardiovascular phenotype. Last evaluated: 2024-06-22. Review status: criteria provided, single submitter. Criteria: Ambry Variant Classification Scheme 2023. Collection method: clinical testing. Allele origin: germline.

NM_014391.3(ANKRD1):c.861G>A (p.Thr287=)

Gene: ANKRD1 (ankyrin repeat domain 1; minus strand). Cytogenetic location: 10q23.31.
Variant type: single nucleotide variant.
Coding change: c.861G>A on transcript NM_014391.3 (MANE Select); coding-DNA position 861, G replaced by A.
Protein change: p.Thr287=; no amino-acid change (threonine 287 retained).
Molecular consequence: synonymous variant.
Genome position (GRCh38, 1-based): chr10:90,912,965, C>T on the plus strand (G>A on the coding strand, the complement: ANKRD1 is on the minus strand). VCF-style: chr10-90912965-C-T. GRCh37 (hg19) VCF-style: chr10-92672722-C-T.
Identifiers: ClinVar variation 3296203 (VCV003296203.3).